The following is an entry in ClinVar:

ClinVar aggregate classification (germline): Pathogenic. Review status: criteria provided, multiple submitters, no conflicts (2 of 4 stars). 3 submissions from 3 submitters: Pathogenic (2). 1 of the submissions does not count toward it. Last evaluated 2025-08-05.

Conditions:
Von Hippel-Lindau syndrome (VHLS). Also called: Von Hippel-Lindau; von Hippel–Lindau syndrome; VHL syndrome. Identifiers: Orphanet 892, MedGen C0019562, MONDO:0008667, OMIM 193300. Disease mechanism: loss of function.
Chuvash polycythemia. Also called: POLYCYTHEMIA, VHL-DEPENDENT. Identifiers: Orphanet 238557, MedGen C1837915, MONDO:0009892, OMIM 263400.
Hereditary cancer-predisposing syndrome. Also called: Tumor predisposition; Hereditary neoplastic syndrome; Neoplastic Syndromes, Hereditary; Hereditary Cancer Syndrome. Identifiers: Orphanet 140162, MedGen C0027672, MeSH D009386, MONDO:0015356.

Submissions (3):

Ambry Genetics
Classification: Pathogenic for Hereditary cancer-predisposing syndrome. Last evaluated: 2025-08-05. Review status: criteria provided, single submitter. Criteria: Ambry Variant Classification Scheme 2023. Collection method: clinical testing. Allele origin: germline.
Comment: The c.163dupG pathogenic mutation, located in coding exon 1 of the VHL gene, results from a duplication of G at nucleotide position 163, causing a translational frameshift with a predicted alternate stop codon (p.E55Gfs*77). This variant was reported in individual(s) with features consistent with von Hippel-Lindau syndrome (Gallou C et al. Hum Mutat, 2004 Sep;24:215-24; Soczomski P et al. Front Endocrinol (Lausanne), 2021 May;12:681013). This variant is considered to be rare based on population cohorts in the Genome Aggregation Database (gnomAD). This alteration is expected to result in loss of function by premature protein truncation or nonsense-mediated mRNA decay. As such, this alteration is interpreted as a disease-causing mutation.

Labcorp Genetics (formerly Invitae), Labcorp
Classification: Pathogenic for Von Hippel-Lindau syndrome; Chuvash polycythemia. Last evaluated: 2019-12-03. Review status: criteria provided, single submitter. Criteria: Invitae Variant Classification Sherloc (09022015). Collection method: clinical testing. Allele origin: germline.
Comment: For these reasons, this variant has been classified as Pathogenic. Loss-of-function variants in VHL are known to be pathogenic (PMID: 8956040, 12202531). This variant has been observed in a family with clinical features of von Hippel-Lindau syndrome (PMID: 15300849). ClinVar contains an entry for this variant (Variation ID: 223159). This variant is not present in population databases (ExAC no frequency). This sequence change creates a premature translational stop signal (p.Glu55Glyfs*77) in the VHL gene. It is expected to result in an absent or disrupted protein product.

Genomic Diagnostic Laboratory, Division of Genomic Diagnostics, Children's Hospital of Philadelphia
Classification: Pathogenic for Von Hippel-Lindau syndrome. Last evaluated: 2016-02-26. Review status: no assertion criteria provided. Collection method: clinical testing. Allele origin: germline. Affected: yes. Observed: 3 variant alleles. Not counted in ClinVar's aggregate classification.

Literature cited by the submitters: PubMed 15300849 (cited by Ambry Genetics and Labcorp Genetics (formerly Invitae), Labcorp); PubMed 34122352 (cited by Ambry Genetics); PubMed 8956040 (cited by Labcorp Genetics (formerly Invitae), Labcorp); PubMed 12202531 (cited by Labcorp Genetics (formerly Invitae), Labcorp).

NM_000551.4(VHL):c.163dup (p.Glu55fs)

Gene: VHL (von Hippel-Lindau tumor suppressor; plus strand). Cytogenetic location: 3p25.3.
Variant type: Duplication.
Coding change: c.163dup on transcript NM_000551.4 (MANE Select); coding-DNA position 163, one base duplicated (G; older notation c.163dupG).
Protein change: p.Glu55fs; shifts the reading frame from glutamic acid 55.
Molecular consequence: frameshift variant.
Genome position (GRCh38, 1-based): chr3:10,142,010, G duplicated; the last of 2 consecutive G bases (chr3:10,142,009-10,142,010); duplicating either gives the same sequence. VCF-style (leftmost placement, unchanged base first): chr3-10142008-T-TG. GRCh37 (hg19) VCF-style: chr3-10183692-T-TG.
Other names: c.163dupG (NM_000551.3); c.163dup, p.Glu55fs (NM_001354723.2, NM_198156.3); short protein forms E55fs.
Identifiers: ClinVar variation 223159 (VCV000223159.12), dbSNP rs869025615, ClinGen allele CA357082.